The following is an entry in ClinVar:

ClinVar aggregate classification (germline): Conflicting classifications of pathogenicity. Review status: criteria provided, conflicting classifications (1 of 4 stars). 3 submissions from 3 submitters: Uncertain significance (2); Likely benign (1). Last evaluated 2025-04-22.

Conditions:
Mucopolysaccharidosis, MPS-II (MPS2). Also called: Mucopolysaccharidosis type 2; Hunter Syndrome; IDURONATE 2-SULFATASE DEFICIENCY; Mucopolysaccharidosis Type II; IDS deficiency; Sulfoiduronate sulfatase deficiency. Identifiers: Orphanet 580, Orphanet 79388, MedGen C0026705, MONDO:0010674, OMIM 309900.
Inborn genetic diseases. Identifiers: MedGen C0950123, MeSH D030342.

Allele frequency attached by ClinVar (database versions not stated): TOPMed 0.00003; gnomAD 0.00005; gnomAD exomes 0.00018; 1000 Genomes Project 30x 0.00021; 1000 Genomes Project 0.00026.
gnomAD v4.1: 180 of 1,067,394 alleles (0.017%); highest among the groups gnomAD compares: South Asian, 0.32%; no homozygotes.

Submissions (3):

Ambry Genetics
Classification: Likely benign for Inborn genetic diseases. Last evaluated: 2025-04-22. Review status: criteria provided, single submitter. Criteria: Ambry Variant Classification Scheme 2023. Collection method: clinical testing. Allele origin: germline.

Laboratory of Diagnosis and Therapy of Lysosomal Disorders, University of Padova
Classification: Uncertain significance for Mucopolysaccharidosis, MPS-II. Last evaluated: 2024-06-07. Review status: criteria provided, single submitter. Criteria: ACMG Guidelines, 2015. Collection method: literature only. Allele origin: germline. Affected: yes. Observed: 1 variant allele.
Comment: Absent from controls (or at low frequency) in gnomAD database (PM2_Moderate), Patient’s phenotype or family history highly specific for the disease (PP4_Moderate)

Classification method: ACMG Guidelines [PMID:25741868] with modifications

Department of Medical Genetics, Sanjay Gandhi Post Graduate Institute of Medical Sciences
Classification: Uncertain significance for Mucopolysaccharidosis, MPS-II. Review status: criteria provided, single submitter. Criteria: ACMG Guidelines, 2015. Collection method: clinical testing. Allele origin: germline. Inheritance: X-linked recessive inheritance. Affected: yes. Observed: 1 variant allele, 1 hemizygote.

Literature cited by the submitters: PubMed 35144014 (cited by Laboratory of Diagnosis and Therapy of Lysosomal Disorders, University of Padova).

NM_000202.8(IDS):c.880-72A>G

Genes: IDS (iduronate 2-sulfatase; minus strand), LOC106050102 (IDS recombination region; plus strand). Cytogenetic location: Xq28.
Variant type: single nucleotide variant.
Coding change: c.880-72A>G on transcript NM_000202.8 (MANE Select); 72 bases into the intron before coding-DNA position 880, A replaced by G.
Molecular consequence: intron variant.
Genome position (GRCh38, 1-based): chrX:149,490,512, T>C on the plus strand (A>G on the coding strand, the complement: IDS is on the minus strand). VCF-style: chrX-149490512-T-C. GRCh37 (hg19) VCF-style: chrX-148572043-T-C.
Other names: c.880-72A>G (NM_000202.5, NM_006123.5); c.610-72A>G (NM_001166550.4).
Identifiers: ClinVar variation 997697 (VCV000997697.4), dbSNP rs782031668, ClinGen allele CA337036005.